The following is an entry in ClinVar:

ClinVar aggregate classification (germline): Pathogenic/Likely pathogenic. Review status: criteria provided, multiple submitters, no conflicts (2 of 4 stars). 4 submissions from 4 submitters: Pathogenic (3); Likely pathogenic (1). Last evaluated 2025-11-05.

Conditions:
Neuronal ceroid lipofuscinosis 1 (CLN1). Also called: CEROID LIPOFUSCINOSIS, NEURONAL, 1, VARIABLE AGE AT ONSET; PPT1-Related Neuronal Ceroid-Lipofuscinosis. Identifiers: Orphanet 228329, MedGen C1850451, MONDO:0009744, OMIM 256730.

Allele frequency attached by ClinVar (database versions not stated): TOPMed 0.00001.

Submissions (4):

Natera, Inc.
Classification: Pathogenic for Neuronal ceroid lipofuscinosis 1. Last evaluated: 2025-11-05. Review status: criteria provided, single submitter. Criteria: Natera Variant Classification Schema (03/2026). Collection method: clinical testing. Allele origin: germline.
Comment: The c.629_630dupGT variant in PPT1 is a frameshift variant predicted to shift the reading frame beginning at codon 211 and leads to a stop codon 10 codons downstream. This variant is expected to result in nonsense mediated decay, truncation, or a dysfunctional protein product. This variant is rare in the general population with a frequency below the threshold expected for the associated phenotype(s). This variant has been observed in one or more individuals affected with the associated recessive disease, as either homozygous or compound heterozygous with a second variant (PMID: 36137348). Given the available evidence, this variant is classified as Pathogenic.

Fulgent Genetics
Classification: Pathogenic for Neuronal ceroid lipofuscinosis 1. Last evaluated: 2024-04-19. Review status: criteria provided, single submitter. Criteria: ACMG Guidelines, 2015. Collection method: clinical testing. Allele origin: germline.

Baylor Genetics
Classification: Likely pathogenic for Neuronal ceroid lipofuscinosis 1. Last evaluated: 2023-09-02. Review status: criteria provided, single submitter. Criteria: ACMG Guidelines, 2015. Collection method: clinical testing. Allele origin: unknown.

Labcorp Genetics (formerly Invitae), Labcorp
Classification: Pathogenic for Neuronal ceroid lipofuscinosis 1. Last evaluated: 2022-10-17. Review status: criteria provided, single submitter. Criteria: Invitae Variant Classification Sherloc (09022015). Collection method: clinical testing. Allele origin: germline.
Comment: For these reasons, this variant has been classified as Pathogenic. ClinVar contains an entry for this variant (Variation ID: 662960). This variant has not been reported in the literature in individuals affected with PPT1-related conditions. This variant is not present in population databases (gnomAD no frequency). This sequence change creates a premature translational stop signal (p.Ile211Valfs*10) in the PPT1 gene. It is expected to result in an absent or disrupted protein product. Loss-of-function variants in PPT1 are known to be pathogenic (PMID: 10679943, 21990111).

Literature cited by the submitters: PubMed 36137348 (cited by Natera, Inc.); PubMed 10679943 (cited by Labcorp Genetics (formerly Invitae), Labcorp); PubMed 21990111 (cited by Labcorp Genetics (formerly Invitae), Labcorp).

NM_000310.4(PPT1):c.629_630dup (p.Ile211fs)

Gene: PPT1 (palmitoyl-protein thioesterase 1; minus strand). Cytogenetic location: 1p34.2.
Variant type: Duplication.
Coding change: c.629_630dup on transcript NM_000310.4 (MANE Select); coding-DNA positions 629 to 630, 2 bases duplicated (GT; older notation c.629_630dupGT).
Protein change: p.Ile211fs; shifts the reading frame from isoleucine 211.
Molecular consequence: frameshift variant.
Genome position (GRCh38, 1-based): chr1:40,078,656-40,078,657, AC duplicated on the plus strand (GT on the coding strand, the reverse complement: PPT1 is on the minus strand). VCF-style (leftmost placement, unchanged base first): chr1-40078655-T-TAC. GRCh37 (hg19) VCF-style: chr1-40544327-T-TAC.
Other names: c.320_321dup, p.Ile108fs (NM_001142604.2); c.629_630dup, p.Ile211fs (NM_001363695.2); c.629_630dupGT (NM_000310.3); short protein forms I108fs, I211fs.
Identifiers: ClinVar variation 662960 (VCV000662960.9), dbSNP rs1302326945, ClinGen allele CA735686448.